The following is an entry in ClinVar:

NM_001244008.2(KIF1A):c.1834G>A (p.Glu612Lys)

Gene: KIF1A (kinesin family member 1A; minus strand). Cytogenetic location: 2q37.3.
Variant type: single nucleotide variant.
Coding change: c.1834G>A on transcript NM_001244008.2 (MANE Select); coding-DNA position 1834, G replaced by A.
Protein change: p.Glu612Lys; replaces glutamic acid 612 with lysine.
Molecular consequence: missense variant.
Genome position (GRCh38, 1-based): chr2:240,763,281, C>T on the plus strand (G>A on the coding strand, the complement: KIF1A is on the minus strand). VCF-style: chr2-240763281-C-T. GRCh37 (hg19) VCF-style: chr2-241702698-C-T.
Other names: c.1834G>A, p.Glu612Lys (NM_001320705.2, NM_001330289.2, NM_001379638.1); c.1909G>A, p.Glu637Lys (NM_001330290.2, NM_001379631.1, NM_001379634.1 and 2 more transcripts); c.1807G>A, p.Glu603Lys (NM_001379632.1, NM_001379633.1, NM_001379636.1 and 10 more transcripts); c.1882G>A, p.Glu628Lys (NM_001379637.1, NM_001379648.1); short protein forms E603K, E612K, E628K, E637K.
Identifiers: ClinVar variation 3761099 (VCV003761099.2).

ClinVar aggregate classification (germline): Uncertain significance (1 of 4 stars; one submission).

Conditions:
Neuropathy, hereditary sensory, type 2C. Also called: KIF1A-Related HSAN2 (HSAN2C); Hereditary sensory and autonomic neuropathy type IIC. Identifiers: Orphanet 970, MedGen C3280168, MONDO:0013634, OMIM 614213.
Hereditary spastic paraplegia 30. Identifiers: Orphanet 101010, MedGen C5235139, MONDO:0012476.
Intellectual disability, autosomal dominant 9 (NESCAVS). Also called: KIF1A-Related Neurodevelopmental Disorder; NESCAV SYNDROME. Identifiers: Orphanet 662367, MedGen C5393830, MONDO:0013656, OMIM 614255.

gnomAD v4.1: 1 of 1,607,446 alleles (0.000062%); highest among the groups gnomAD compares: Non-Finnish European, 0.000085%; no homozygotes.

Submission:

Labcorp Genetics (formerly Invitae), Labcorp
Classification: Uncertain significance for Hereditary spastic paraplegia 30; Neuropathy, hereditary sensory, type 2C; Intellectual disability, autosomal dominant 9. Last evaluated: 2024-09-29. Review status: criteria provided, single submitter. Criteria: Invitae Variant Classification Sherloc (09022015). Collection method: clinical testing. Allele origin: germline.
Comment: This sequence change replaces glutamic acid, which is acidic and polar, with lysine, which is basic and polar, at codon 603 of the KIF1A protein (p.Glu603Lys). The frequency data for this variant in the population databases is considered unreliable, as metrics indicate poor data quality at this position in the gnomAD database. This variant has not been reported in the literature in individuals affected with KIF1A-related conditions. Invitae Evidence Modeling of protein sequence and biophysical properties (such as structural, functional, and spatial information, amino acid conservation, physicochemical variation, residue mobility, and thermodynamic stability) has been performed for this missense variant. However, the output from this modeling did not meet the statistical confidence thresholds required to predict the impact of this variant on KIF1A protein function. In summary, the available evidence is currently insufficient to determine the role of this variant in disease. Therefore, it has been classified as a Variant of Uncertain Significance.